The following is an entry in ClinVar:

NM_197968.4(ZMYM2):c.2119+1G>C

Gene: ZMYM2 (zinc finger MYM-type containing 2; plus strand). Cytogenetic location: 13q12.11.
Variant type: single nucleotide variant.
Coding change: c.2119+1G>C on transcript NM_197968.4 (MANE Select); the canonical splice donor site of the intron after coding-DNA position 2119, G replaced by C.
Molecular consequence: splice donor variant.
Genome position (GRCh38, 1-based): chr13:20,034,405, G>C. VCF-style: chr13-20034405-G-C. GRCh37 (hg19) VCF-style: chr13-20608545-G-C.
Other names: c.1858+1G>C (NM_001353163.2); c.2119+1G>C (NM_001353157.2, NM_001353164.2, NM_001353159.2 and 5 more transcripts); c.1924+1G>C (NM_001353161.3).
Identifiers: ClinVar variation 4292517 (VCV004292517.1).

ClinVar aggregate classification (germline): Likely pathogenic (1 of 4 stars; one submission).

Conditions:
Neurodevelopmental-craniofacial syndrome with variable renal and cardiac abnormalities. Identifiers: MedGen C5561984, MONDO:0859190, OMIM 619522.

Submission:

3billion
Classification: Likely pathogenic for Neurodevelopmental-craniofacial syndrome with variable renal and cardiac abnormalities. Last evaluated: 2025-01-27. Review status: criteria provided, single submitter. Criteria: ACMG Guidelines, 2015. Collection method: clinical testing. Allele origin: germline. Affected: yes.
Comment: The variant is not observed in the gnomAD v4.1.0 dataset. Predicted Consequence/Location: Canonical splice site: predicted to alter splicing and result in a loss or disruption of normal protein function. Multiple pathogenic loss-of-function variants are reported downstream of the variant. In silico tools predict the variant to alter splicing and produce an abnormal transcript [SpliceAI: 0.76 (spliceogenicity >=0.2, non-spliceogenicity <0.1)]. Therefore, this variant is classified as Likely pathogenic according to the recommendation of ACMG/AMP guideline.